The following is an entry in ClinVar:

NM_006648.4(WNK2):c.1867A>G (p.Thr623Ala)

Gene: WNK2 (WNK lysine deficient protein kinase 2; plus strand). Cytogenetic location: 9q22.31.
Variant type: single nucleotide variant.
Coding change: c.1867A>G on transcript NM_006648.4 (MANE Select); coding-DNA position 1867, A replaced by G.
Protein change: p.Thr623Ala; replaces threonine 623 with alanine.
Molecular consequence: missense variant.
Genome position (GRCh38, 1-based): chr9:93,252,915, A>G. VCF-style: chr9-93252915-A-G. GRCh37 (hg19) VCF-style: chr9-96015197-A-G.
Other names: c.1867A>G, p.Thr623Ala (NM_001282394.3); short protein forms T623A.
Identifiers: ClinVar variation 3470355 (VCV003470355.1).

ClinVar aggregate classification (germline): Uncertain significance (1 of 4 stars; one submission).

gnomAD v4.1: 16 of 1,563,808 alleles (0.001%); highest among the groups gnomAD compares: Admixed American, 0.0094%; no homozygotes.

Submission:

Ambry Genetics
Classification: Uncertain significance. Last evaluated: 2024-11-23. Review status: criteria provided, single submitter. Criteria: Ambry Variant Classification Scheme 2023. Collection method: clinical testing. Allele origin: germline.
Comment: The p.T623A variant (also known as c.1867A>G), located in coding exon 8 of the WNK2 gene, results from an A to G substitution at nucleotide position 1867. The threonine at codon 623 is replaced by alanine, an amino acid with similar properties. This amino acid position is conserved. In addition, this alteration is predicted to be tolerated by in silico analysis. Based on the available evidence, the clinical significance of this variant remains unclear.